The following is an entry in ClinVar:

NM_001330360.2(POLA1):c.4357T>G (p.Ser1453Ala)

Gene: POLA1 (DNA polymerase alpha 1, catalytic subunit; plus strand). Cytogenetic location: Xp21.3.
Variant type: single nucleotide variant.
Coding change: c.4357T>G on transcript NM_001330360.2 (MANE Select); coding-DNA position 4357, T replaced by G.
Protein change: p.Ser1453Ala; replaces serine 1453 with alanine.
Molecular consequence: missense variant. On other transcripts: non-coding transcript variant (2).
Genome position (GRCh38, 1-based): chrX:24,995,900, T>G. VCF-style: chrX-24995900-T-G. GRCh37 (hg19) VCF-style: chrX-25014017-T-G.
Other names: c.4282T>G, p.Ser1428Ala (NM_001378303.1); c.4339T>G, p.Ser1447Ala (NM_016937.4); c.4339T>G (NM_016937.3); short protein forms S1447A, S1428A, S1453A.
Identifiers: ClinVar variation 2788004 (VCV002788004.4), dbSNP rs1434457871, ClinGen allele CA412609654.

ClinVar aggregate classification (germline): Uncertain significance. Review status: criteria provided, multiple submitters, no conflicts (2 of 4 stars). 2 submissions from 2 submitters: Uncertain significance (2). Last evaluated 2025-09-13.

Conditions:
Inborn genetic diseases. Identifiers: MedGen C0950123, MeSH D030342.

Allele frequency attached by ClinVar (database versions not stated): TOPMed 0.00001; gnomAD exomes 0.00002; gnomAD 0.00002.
gnomAD v4.1: 18 of 1,208,637 alleles (0.0015%); highest among the groups gnomAD compares: Non-Finnish European, 0.0019%; no homozygotes.

Submissions (2):

Labcorp Genetics (formerly Invitae), Labcorp
Classification: Uncertain significance. Last evaluated: 2025-09-13. Review status: criteria provided, single submitter. Criteria: Invitae Variant Classification Sherloc (09022015). Collection method: clinical testing. Allele origin: germline.
Comment: This sequence change replaces serine, which is neutral and polar, with alanine, which is neutral and non-polar, at codon 1447 of the POLA1 protein (p.Ser1447Ala). This variant is not present in population databases (gnomAD no frequency). This variant has not been reported in the literature in individuals affected with POLA1-related conditions. ClinVar contains an entry for this variant (Variation ID: 2788004). Invitae Evidence Modeling of protein sequence and biophysical properties (such as structural, functional, and spatial information, amino acid conservation, physicochemical variation, residue mobility, and thermodynamic stability) indicates that this missense variant is not expected to disrupt POLA1 protein function with a negative predictive value of 80%. In summary, the available evidence is currently insufficient to determine the role of this variant in disease. Therefore, it has been classified as a Variant of Uncertain Significance.

Ambry Genetics
Classification: Uncertain significance for Inborn genetic diseases. Last evaluated: 2024-12-25. Review status: criteria provided, single submitter. Criteria: Ambry Variant Classification Scheme 2023. Collection method: clinical testing. Allele origin: germline.